The following is an entry in ClinVar:

ClinVar aggregate classification (germline): Uncertain significance (1 of 4 stars; one submission).

Conditions:
Early-infantile DEE. Also called: Ohtahara syndrome; Early infantile epileptic encephalopathy with suppression bursts; Early infantile epileptic encephalopathy. Identifiers: Orphanet 1934, MedGen C0393706, MONDO:0800491.

Allele frequency attached by ClinVar (database versions not stated): TOPMed below 0.00001; gnomAD 0.00001; ExAC 0.00005.
gnomAD v4.1: 9 of 1,605,914 alleles (0.00056%); highest among the groups gnomAD compares: South Asian, 0.0055%; no homozygotes.

Submission:

Labcorp Genetics (formerly Invitae), Labcorp
Classification: Uncertain significance for Early-infantile DEE. Last evaluated: 2024-11-11. Review status: criteria provided, single submitter. Criteria: Invitae Variant Classification Sherloc (09022015). Collection method: clinical testing. Allele origin: germline.
Comment: This sequence change falls in intron 11 of the ST3GAL3 gene. It does not directly change the encoded amino acid sequence of the ST3GAL3 protein. It affects a nucleotide within the consensus splice site. This variant is present in population databases (rs777519333, gnomAD 0.01%). This variant has not been reported in the literature in individuals affected with ST3GAL3-related conditions. ClinVar contains an entry for this variant (Variation ID: 2161105). Variants that disrupt the consensus splice site are a relatively common cause of aberrant splicing (PMID: 17576681, 9536098). Algorithms developed to predict the effect of sequence changes on RNA splicing suggest that this variant may disrupt the consensus splice site. In summary, the available evidence is currently insufficient to determine the role of this variant in disease. Therefore, it has been classified as a Variant of Uncertain Significance.

Literature cited by the submitters: PubMed 17576681; PubMed 9536098.

NM_006279.5(ST3GAL3):c.1038+5G>A

Gene: ST3GAL3 (ST3 beta-galactoside alpha-2,3-sialyltransferase 3; plus strand). Cytogenetic location: 1p34.1.
Variant type: single nucleotide variant.
Coding change: c.1038+5G>A on transcript NM_006279.5 (MANE Select); 5 bases into the intron after coding-DNA position 1038, G replaced by A.
Molecular consequence: intron variant.
Genome position (GRCh38, 1-based): chr1:43,920,933, G>A. VCF-style: chr1-43920933-G-A. GRCh37 (hg19) VCF-style: chr1-44386605-G-A.
Other names: c.1245+5G>A (NM_174963.5); c.1083+5G>A (NM_001350619.2, NM_174964.4); c.443-9199G>A (NM_174965.4); c.*23-9199G>A (NM_001270465.3); c.555-9199G>A (NM_001270463.3); c.1200+5G>A (NM_174968.5); c.907-9199G>A (NM_001363573.2); c.759+5G>A (NM_001350621.2); and 12 more.
Identifiers: ClinVar variation 2161105 (VCV002161105.4), dbSNP rs777519333, ClinGen allele CA814866.